The following is an entry in ClinVar:

NM_001365536.1(SCN9A):c.2222T>G (p.Val741Gly)

Genes: SCN9A (sodium voltage-gated channel alpha subunit 9; minus strand), SCN1A-AS1 (SCN1A and SCN9A antisense RNA 1; plus strand). Cytogenetic location: 2q24.3.
Variant type: single nucleotide variant.
Coding change: c.2222T>G on transcript NM_001365536.1 (MANE Select); coding-DNA position 2222, T replaced by G.
Protein change: p.Val741Gly; replaces valine 741 with glycine.
Molecular consequence: missense variant.
Genome position (GRCh38, 1-based): chr2:166,280,478, A>C on the plus strand (T>G on the coding strand, the complement: SCN9A is on the minus strand). VCF-style: chr2-166280478-A-C. GRCh37 (hg19) VCF-style: chr2-167136988-A-C.
Other names: c.2189T>G, p.Val730Gly (NM_002977.4); short protein forms V730G, V741G.
Identifiers: ClinVar variation 572510 (VCV000572510.9), dbSNP rs1559006108, ClinGen allele CA349079687.

ClinVar aggregate classification (germline): Uncertain significance (1 of 4 stars; one submission).

Conditions:
Generalized epilepsy with febrile seizures plus, type 7 (GEFSP7). Also called: GEFS+, TYPE 7. Identifiers: Orphanet 36387, MedGen C2751778, MONDO:0013470, OMIM 613863.
Neuropathy, hereditary sensory and autonomic, type 2A (HSAN2A). Also called: MORVAN DISEASE; NEUROPATHY, CONGENITAL SENSORY; NEUROPATHY, HEREDITARY SENSORY RADICULAR, AUTOSOMAL RECESSIVE; NEUROPATHY, HEREDITARY SENSORY, TYPE IIA; NEUROPATHY, PROGRESSIVE SENSORY, OF CHILDREN; WNK1-Related HSAN2 (HSAN2A). Identifiers: Orphanet 970, MedGen C2752089, MONDO:0024309, OMIM 201300.

Submission:

Labcorp Genetics (formerly Invitae), Labcorp
Classification: Uncertain significance for Neuropathy, hereditary sensory and autonomic, type 2A; Generalized epilepsy with febrile seizures plus, type 7. Last evaluated: 2018-01-13. Review status: criteria provided, single submitter. Criteria: Invitae Variant Classification Sherloc (09022015). Collection method: clinical testing. Allele origin: germline.
Comment: In summary, the available evidence is currently insufficient to determine the role of this variant in disease. Therefore, it has been classified as a Variant of Uncertain Significance. This variant has not been reported in the literature in individuals with SCN9A-related disease. This sequence change replaces valine with glycine at codon 730 of the SCN9A protein (p.Val730Gly). The valine residue is highly conserved and there is a moderate physicochemical difference between valine and glycine. This variant is not present in population databases (ExAC no frequency). Algorithms developed to predict the effect of missense changes on protein structure and function (SIFT, PolyPhen-2, Align-GVGD) all suggest that this variant is likely to be disruptive, but these predictions have not been confirmed by published functional studies and their clinical significance is uncertain.